The following is an entry in ClinVar:

ClinVar aggregate classification (germline): Uncertain significance (1 of 4 stars; one submission).

Submission:

Labcorp Genetics (formerly Invitae), Labcorp
Classification: Uncertain significance. Last evaluated: 2024-05-14. Review status: criteria provided, single submitter. Criteria: Invitae Variant Classification Sherloc (09022015). Collection method: clinical testing. Allele origin: germline.
Comment: This sequence change replaces threonine, which is neutral and polar, with alanine, which is neutral and non-polar, at codon 2583 of the TRRAP protein (p.Thr2583Ala). This variant is not present in population databases (gnomAD no frequency). This variant has not been reported in the literature in individuals affected with TRRAP-related conditions. Advanced modeling of protein sequence and biophysical properties (such as structural, functional, and spatial information, amino acid conservation, physicochemical variation, residue mobility, and thermodynamic stability) performed at Invitae indicates that this missense variant is not expected to disrupt TRRAP protein function with a negative predictive value of 80%. In summary, the available evidence is currently insufficient to determine the role of this variant in disease. Therefore, it has been classified as a Variant of Uncertain Significance.

NM_001375524.1(TRRAP):c.7822A>G (p.Thr2608Ala)

Gene: TRRAP (transformation/transcription domain associated protein; plus strand). Cytogenetic location: 7q22.1.
Variant type: single nucleotide variant.
Coding change: c.7822A>G on transcript NM_001375524.1 (MANE Select); coding-DNA position 7822, A replaced by G.
Protein change: p.Thr2608Ala; replaces threonine 2608 with alanine.
Molecular consequence: missense variant.
Genome position (GRCh38, 1-based): chr7:98,971,928, A>G. VCF-style: chr7-98971928-A-G. GRCh37 (hg19) VCF-style: chr7-98569551-A-G.
Other names: c.7801A>G, p.Thr2601Ala (NM_001244580.2); c.7747A>G, p.Thr2583Ala (NM_003496.4); short protein forms T2601A, T2583A, T2608A.
Identifiers: ClinVar variation 3693106 (VCV003693106.2).